The following is an entry in ClinVar:

NM_001366385.1(CARD14):c.431G>A (p.Gly144Glu)

Gene: CARD14 (caspase recruitment domain family member 14; plus strand). Cytogenetic location: 17q25.3.
Variant type: single nucleotide variant.
Coding change: c.431G>A on transcript NM_001366385.1 (MANE Select); coding-DNA position 431, G replaced by A.
Protein change: p.Gly144Glu; replaces glycine 144 with glutamic acid.
Molecular consequence: missense variant. On other transcripts: non-coding transcript variant (1).
Genome position (GRCh38, 1-based): chr17:80,183,994, G>A. VCF-style: chr17-80183994-G-A. GRCh37 (hg19) VCF-style: chr17-78157793-G-A.
Other names: c.431G>A, p.Gly144Glu (NM_001257970.1, NM_024110.4); short protein forms G144E.
Identifiers: ClinVar variation 2002766 (VCV002002766.4), dbSNP rs2510585475, ClinGen allele CA401336138.

ClinVar aggregate classification (germline): Uncertain significance (1 of 4 stars; one submission).

Conditions:
Pityriasis rubra pilaris (PRP). Also called: Pityriasis rubra pilaris--familial type. Identifiers: Orphanet 2897, MedGen C0032027, MONDO:0100017, OMIM 173200, MONDO:0008251.
Psoriasis 2. Identifiers: MedGen C1864497, MONDO:0011269, OMIM 602723.

Submission:

Labcorp Genetics (formerly Invitae), Labcorp
Classification: Uncertain significance for Pityriasis rubra pilaris; Psoriasis 2. Last evaluated: 2024-01-08. Review status: criteria provided, single submitter. Criteria: Invitae Variant Classification Sherloc (09022015). Collection method: clinical testing. Allele origin: germline.
Comment: This sequence change replaces glycine, which is neutral and non-polar, with glutamic acid, which is acidic and polar, at codon 144 of the CARD14 protein (p.Gly144Glu). This variant is not present in population databases (gnomAD no frequency). This variant has not been reported in the literature in individuals affected with CARD14-related conditions. ClinVar contains an entry for this variant (Variation ID: 2002766). Advanced modeling of protein sequence and biophysical properties (such as structural, functional, and spatial information, amino acid conservation, physicochemical variation, residue mobility, and thermodynamic stability) performed at Invitae indicates that this missense variant is not expected to disrupt CARD14 protein function with a negative predictive value of 80%. In summary, the available evidence is currently insufficient to determine the role of this variant in disease. Therefore, it has been classified as a Variant of Uncertain Significance.